The following is an entry in ClinVar:

ClinVar aggregate classification (germline): Uncertain significance (1 of 4 stars; one submission).

Conditions:
Werner syndrome (WRN). Identifiers: Orphanet 902, MedGen C0043119, MONDO:0010196, OMIM 277700.

Submission:

Labcorp Genetics (formerly Invitae), Labcorp
Classification: Uncertain significance for Werner syndrome. Last evaluated: 2021-12-23. Review status: criteria provided, single submitter. Criteria: Invitae Variant Classification Sherloc (09022015). Collection method: clinical testing. Allele origin: germline.
Comment: This variant has not been reported in the literature in individuals affected with WRN-related conditions. Algorithms developed to predict the effect of missense changes on protein structure and function are either unavailable or do not agree on the potential impact of this missense change (SIFT: "Not Available"; PolyPhen-2: "Probably Damaging"; Align-GVGD: "Not Available"). In summary, the available evidence is currently insufficient to determine the role of this variant in disease. Therefore, it has been classified as a Variant of Uncertain Significance. This variant is not present in population databases (gnomAD no frequency). This sequence change replaces isoleucine, which is neutral and non-polar, with leucine, which is neutral and non-polar, at codon 557 of the WRN protein (p.Ile557Leu).

NM_000553.6(WRN):c.1669A>C (p.Ile557Leu)

Gene: WRN (WRN RecQ like helicase; plus strand). Cytogenetic location: 8p12.
Variant type: single nucleotide variant.
Coding change: c.1669A>C on transcript NM_000553.6 (MANE Select); coding-DNA position 1669, A replaced by C.
Protein change: p.Ile557Leu; replaces isoleucine 557 with leucine.
Molecular consequence: missense variant.
Genome position (GRCh38, 1-based): chr8:31,090,481, A>C. VCF-style: chr8-31090481-A-C. GRCh37 (hg19) VCF-style: chr8-30947997-A-C.
Other names: short protein forms I557L.
Identifiers: ClinVar variation 2055120 (VCV002055120.4), dbSNP rs2535930233, ClinGen allele CA370926853.